The following is an entry in ClinVar:

ClinVar aggregate classification (germline): Uncertain significance (1 of 4 stars; one submission).

Conditions:
Hypertrophic cardiomyopathy. Also called: HYPERTROPHIC MYOCARDIOPATHY. Identifiers: Orphanet 217569, MedGen C0007194, MeSH D002312, MONDO:0005045, HP:0001639.

gnomAD v4.1: 1 of 1,608,490 alleles (0.000062%); highest among the groups gnomAD compares: Non-Finnish European, 0.000085%; no homozygotes.

Submission:

All of Us Research Program, National Institutes of Health
Classification: Uncertain significance for Hypertrophic cardiomyopathy. Last evaluated: 2023-06-26. Review status: criteria provided, single submitter. Criteria: ACMG Guidelines, 2015. Collection method: clinical testing. Allele origin: germline. Inheritance: Autosomal dominant inheritance. Observed: 1 variant allele, 1 heterozygote.
Comment: This missense variant replaces glutamic acid with glutamine at codon 30 of the MYBPC3 protein. Computational prediction suggests that this variant may not impact protein structure and function (internally defined REVEL score threshold <= 0.5, PMID: 27666373). To our knowledge, functional studies have not been reported for this variant. This variant has not been reported in individuals affected with MYBPC3-related disorders in the literature. This variant has not been identified in the general population by the Genome Aggregation Database (gnomAD). The available evidence is insufficient to determine the role of this variant in disease conclusively. Therefore, this variant is classified as a Variant of Uncertain Significance.

This study involves interpretation of variants in research participants for the purpose of population health screening. Participant phenotype was not available at the time of variant classification. Additional details can be found in publication PMID: 35346344, PMCID: PMC8962531

NM_000256.3(MYBPC3):c.88G>C (p.Glu30Gln)

Gene: MYBPC3 (myosin binding protein C3; minus strand). Cytogenetic location: 11p11.2.
Variant type: single nucleotide variant.
Coding change: c.88G>C on transcript NM_000256.3 (MANE Select); coding-DNA position 88, G replaced by C.
Protein change: p.Glu30Gln; replaces glutamic acid 30 with glutamine.
Molecular consequence: missense variant.
Genome position (GRCh38, 1-based): chr11:47,351,443, C>G on the plus strand (G>C on the coding strand, the complement: MYBPC3 is on the minus strand). VCF-style: chr11-47351443-C-G. GRCh37 (hg19) VCF-style: chr11-47372994-C-G.
Other names: short protein forms E30Q.
Identifiers: ClinVar variation 3071854 (VCV003071854.1), dbSNP rs761079937, ClinGen allele CA380341952.